The following is an entry in ClinVar:

ClinVar aggregate classification (germline): Likely benign (1 of 4 stars; one submission).

Allele frequency attached by ClinVar (database versions not stated): gnomAD exomes 0.00001; ExAC 0.00003; ESP Exome Variant Server 0.00008; 1000 Genomes Project 0.00020; gnomAD 0.00020; TOPMed 0.00022; 1000 Genomes Project 30x 0.00047.
gnomAD v4.1: 48 of 1,613,128 alleles (0.003%); highest among the groups gnomAD compares: African/African-American, 0.06%; no homozygotes.

Submission:

CeGaT Center for Human Genetics Tuebingen
Classification: Likely benign. Last evaluated: 2023-02-01. Review status: criteria provided, single submitter. Criteria: CeGaT Center For Human Genetics Tuebingen Variant Classification Criteria Version 2. Collection method: clinical testing. Allele origin: germline. Affected: yes. Observed: 1 variant allele.
Comment: KIF15: BP4, BP7

NM_020242.3(KIF15):c.36G>A (p.Val12=)

Gene: KIF15 (kinesin family member 15; plus strand). Cytogenetic location: 3p21.31.
Variant type: single nucleotide variant.
Coding change: c.36G>A on transcript NM_020242.3 (MANE Select); coding-DNA position 36, G replaced by A.
Protein change: p.Val12=; no amino-acid change (valine 12 retained).
Molecular consequence: synonymous variant.
Genome position (GRCh38, 1-based): chr3:44,774,411, G>A. VCF-style: chr3-44774411-G-A. GRCh37 (hg19) VCF-style: chr3-44815903-G-A.
Identifiers: ClinVar variation 2653725 (VCV002653725.24), dbSNP rs372949327, ClinGen allele CA2345646.